The following is an entry in ClinVar:

NM_006580.4(CLDN16):c.211C>G (p.His71Asp)

Gene: CLDN16 (claudin 16; plus strand). Cytogenetic location: 3q28.
Variant type: single nucleotide variant.
Coding change: c.211C>G on transcript NM_006580.4 (MANE Select); coding-DNA position 211, C replaced by G.
Protein change: p.His71Asp; replaces histidine 71 with aspartic acid.
Molecular consequence: missense variant.
Genome position (GRCh38, 1-based): chr3:190,402,433, C>G. VCF-style: chr3-190402433-C-G. GRCh37 (hg19) VCF-style: chr3-190120222-C-G.
Other names: c.211C>G, p.His71Asp (NM_001378492.1, NM_001378493.1); short protein forms H71D.
Identifiers: ClinVar variation 4526854 (VCV004526854.1).
Genomic context (GRCh38, chr3:190,402,433, plus strand): 5'-GTCACAAATGCTTTTGATGGGATTCGCACCTGTGATGAGTACGATTCCATACTTGCGGAG[C>G]ATCCCTGTACGTATGCCTTAGAGCTCACTGCTTGCCAGGAAGGGAAAGGGACAGAAAACT-3'
Protein context (NP_006571.2, residues 61-81): CDEYDSILAE[His71Asp]PLKLVVTRAL

ClinVar aggregate classification (germline): Likely pathogenic (1 of 4 stars; one submission).

Conditions:
Primary hypomagnesemia (HOMG3). Also called: HYPOMAGNESEMIA, FAMILIAL, WITH HYPERCALCIURIA AND NEPHROCALCINOSIS; HYPOMAGNESEMIA, ISOLATED RENAL; HYPOMAGNESEMIA, PRIMARY, DUE TO DEFECT IN RENAL TUBULAR TRANSPORT OF MAGNESIUM; HYPOMAGNESEMIA 3, RENAL. Identifiers: Orphanet 31043, MedGen C0268448, MONDO:0009550, OMIM 248250.

Submission:

Rare Kidney Stone Consortium and the Mayo Clinic Hyperoxaluria Center, Mayo Clinic
Classification: Likely pathogenic for Primary hypomagnesemia. Last evaluated: 2025-10-03. Review status: criteria provided, single submitter. Criteria: ACMG Guidelines, 2015. Collection method: research. Allele origin: germline. Affected: yes. Observed: 1 variant allele.
Comment: ACMG:PM1, PM2, PM6, PP3, PP4

Literature cited by the submitters: PubMed 40794449.